The following is an entry in ClinVar:

ClinVar aggregate classification (germline): Uncertain significance (1 of 4 stars; one submission).

Submission:

Labcorp Genetics (formerly Invitae), Labcorp
Classification: Uncertain significance. Last evaluated: 2025-09-10. Review status: criteria provided, single submitter. Criteria: Invitae Variant Classification Sherloc (09022015). Collection method: clinical testing. Allele origin: germline.
Comment: This variant, c.270_326dup, results in the insertion of 19 amino acid(s) of the LMX1B protein (Splice site), but otherwise preserves the integrity of the reading frame. This variant is not present in population databases (gnomAD no frequency). This variant has not been reported in the literature in individuals affected with LMX1B-related conditions. In summary, the available evidence is currently insufficient to determine the role of this variant in disease. Therefore, it has been classified as a Variant of Uncertain Significance.

NM_001174147.2(LMX1B):c.270_326dup (p.Gln108_Gln109insHisThrThrSerCysTyrPheArgAspArgLysLeuTyrCysLysGlnAspTyrGln)

Gene: LMX1B (LIM homeobox transcription factor 1 beta; plus strand). Cytogenetic location: 9q33.3.
Variant type: Duplication.
Coding change: c.270_326dup on transcript NM_001174147.2 (MANE Select); coding-DNA positions 270 to 326, 57 bases duplicated.
Protein change: p.Gln108_Gln109insHisThrThrSerCysTyrPheArgAspArgLysLeuTyrCysLysGlnAspTyrGln.
Molecular consequence: inframe insertion.
Genome position (GRCh38, 1-based): chr9:126,615,513-126,615,569, 57 bases duplicated. GRCh37 (hg19): chr9:129,377,792-129,377,848.
Other names: c.270_326dup, p.Gln108_Gln109insHisThrThrSerCysTyrPheArgAspArgLysLeuTyrCysLysGlnAspTyrGln (NM_001174146.2, NM_002316.4).
Identifiers: ClinVar variation 4727028 (VCV004727028.1).